The following is an entry in ClinVar:

ClinVar aggregate classification (germline): Uncertain significance. Review status: criteria provided, multiple submitters, no conflicts (2 of 4 stars). 2 submissions from 2 submitters: Uncertain significance (2). Last evaluated 2025-08-13.

Conditions:
Inborn genetic diseases. Identifiers: MedGen C0950123, MeSH D030342.
Tenorio syndrome (TNORS). Also called: OVERGROWTH, MACROCEPHALY, AND INTELLECTUAL DISABILITY SYNDROME. Identifiers: MedGen C4015710, MONDO:0014553, OMIM 616260.

Allele frequency attached by ClinVar (database versions not stated): gnomAD exomes 0.00001 and 0.00002; ExAC 0.00002; TOPMed 0.00014; gnomAD 0.00015 and 0.00017; 1000 Genomes Project 30x 0.00016; 1000 Genomes Project 0.00020; ESP Exome Variant Server 0.00023.
gnomAD v4.1: 40 of 1,613,782 alleles (0.0025%); highest among the groups gnomAD compares: African/African-American, 0.048%; no homozygotes.

Submissions (2):

Labcorp Genetics (formerly Invitae), Labcorp
Classification: Uncertain significance for Tenorio syndrome. Last evaluated: 2025-08-13. Review status: criteria provided, single submitter. Criteria: Invitae Variant Classification Sherloc (09022015). Collection method: clinical testing. Allele origin: germline.
Comment: This sequence change replaces isoleucine, which is neutral and non-polar, with threonine, which is neutral and polar, at codon 123 of the RNF125 protein (p.Ile123Thr). This variant is present in population databases (rs146291499, gnomAD 0.03%). This variant has not been reported in the literature in individuals affected with RNF125-related conditions. ClinVar contains an entry for this variant (Variation ID: 1016415). An algorithm developed to predict the effect of missense changes on protein structure and function (PolyPhen-2) suggests that this variant is likely to be disruptive. In summary, the available evidence is currently insufficient to determine the role of this variant in disease. Therefore, it has been classified as a Variant of Uncertain Significance.

Ambry Genetics
Classification: Uncertain significance for Inborn genetic diseases. Last evaluated: 2025-08-01. Review status: criteria provided, single submitter. Criteria: Ambry Variant Classification Scheme 2023. Collection method: clinical testing. Allele origin: germline.

NM_017831.4(RNF125):c.368T>C (p.Ile123Thr)

Gene: RNF125 (ring finger protein 125; plus strand). Cytogenetic location: 18q12.1.
Variant type: single nucleotide variant.
Coding change: c.368T>C on transcript NM_017831.4 (MANE Select); coding-DNA position 368, T replaced by C.
Protein change: p.Ile123Thr; replaces isoleucine 123 with threonine.
Molecular consequence: missense variant.
Genome position (GRCh38, 1-based): chr18:32,042,228, T>C. VCF-style: chr18-32042228-T-C. GRCh37 (hg19) VCF-style: chr18-29622191-T-C.
Other names: c.368T>C (NM_017831.3); short protein forms I123T.
Identifiers: ClinVar variation 1016415 (VCV001016415.11), dbSNP rs146291499, ClinGen allele CA8930474.
Genomic context (GRCh38, chr18:32,042,228, plus strand): 5'-TTTTTATGTAGGTTTGCCTCAGTGAAATGAGGGCACATATTCGGACTTGTCAGAAGTACA[T>C]AGATAAGTATGGACCACTACAAGAACTTGAGGAGACAGCAGCAAGGTTTGTTTCAATACA-3'
Protein context (NP_060301.2, residues 113-133): RAHIRTCQKY[Ile123Thr]DKYGPLQELE